The following is an entry in ClinVar:

ClinVar aggregate classification (germline): Conflicting classifications of pathogenicity. Review status: criteria provided, conflicting classifications (1 of 4 stars). 4 submissions from 4 submitters: Uncertain significance (3); Likely benign (1). Last evaluated 2026-07-06.

Conditions:
FLNC-related disorder. Also called: FLNC-related disorders; FLNC-related condition.
Cardiovascular phenotype. Identifiers: MedGen CN230736.
Dilated Cardiomyopathy, Dominant.
Hypertrophic cardiomyopathy 26. Also called: Cardiomyopathy, familial hypertrophic, 26. Identifiers: Orphanet 75249, MedGen C4310749, MONDO:0014883, OMIM 617047.
Distal myopathy with posterior leg and anterior hand involvement. Also called: WILLIAMS DISTAL MYOPATHY. Identifiers: Orphanet 63273, MedGen C3279722, MONDO:0013550, OMIM 614065.
Myofibrillar myopathy 5. Also called: Filaminopathy (type); FILAMINOPATHY, AUTOSOMAL DOMINANT. Identifiers: Orphanet 171445, MedGen C1836050, MONDO:0012289, OMIM 609524.

Allele frequency attached by ClinVar (database versions not stated): gnomAD 0.00001; gnomAD exomes 0.00004 and 0.00007; TOPMed 0.00004; ExAC 0.00005; 1000 Genomes Project 30x 0.00031; 1000 Genomes Project 0.00040.
gnomAD v4.1: 107 of 1,606,562 alleles (0.0067%); highest among the groups gnomAD compares: Non-Finnish European, 0.0082%; no homozygotes.

Submissions (4):

PreventionGenetics, part of Exact Sciences
Classification: Uncertain significance for FLNC-related condition. Last evaluated: 2026-07-06. Review status: criteria provided, single submitter. Criteria: ACMG Guidelines, 2015. Collection method: clinical testing. Allele origin: germline.
Comment: The FLNC c.4549G>A variant is predicted to result in the amino acid substitution p.Val1517Ile. This variant has been reported in cardiomyopathy and arrhythmia cohorts (Supplementary Table S1, Voinescu et al. 2024. PubMed ID: 38473809; Table S5, Ware et al. 2022. PubMed ID: 35026164; Supplemental Table 3, Dellefave-Castillo et al. 2022. PubMed ID: 35947370). This variant is reported in 0.0076% of alleles in individuals of European (Non-Finnish) descent in gnomAD. At this time, the clinical significance of this variant is uncertain due to the absence of conclusive functional and genetic evidence.

Blueprint Genetics
Classification: Likely benign. Last evaluated: 2024-11-05. Review status: criteria provided, single submitter. Criteria: ACMG Guidelines, 2015. Collection method: clinical testing. Allele origin: germline.

Ambry Genetics
Classification: Uncertain significance for Cardiovascular phenotype. Last evaluated: 2024-05-07. Review status: criteria provided, single submitter. Criteria: Ambry Variant Classification Scheme 2023. Collection method: clinical testing. Allele origin: germline.
Comment: The p.V1517I variant (also known as c.4549G>A), located in coding exon 26 of the FLNC gene, results from a G to A substitution at nucleotide position 4549. The valine at codon 1517 is replaced by isoleucine, an amino acid with highly similar properties. This variant has been reported in a pediatric cardiomyopathy cohort and a dilated cardiomyopathy (DCM) cohort (Ware SM et al. Am J Hum Genet, 2022 Feb;109:282-298; Voinescu OR et al. Int J Mol Sci, 2024 Feb;25:). This amino acid position is highly conserved in available vertebrate species. In addition, the in silico prediction for this alteration is inconclusive. Based on the available evidence, the clinical significance of this variant remains unclear.

Labcorp Genetics (formerly Invitae), Labcorp
Classification: Uncertain significance for Distal myopathy with posterior leg and anterior hand involvement; Myofibrillar myopathy 5; Hypertrophic cardiomyopathy 26. Last evaluated: 2024-01-17. Review status: criteria provided, single submitter. Criteria: Invitae Variant Classification Sherloc (09022015). Collection method: clinical testing. Allele origin: germline.
Comment: This sequence change replaces valine, which is neutral and non-polar, with isoleucine, which is neutral and non-polar, at codon 1517 of the FLNC protein (p.Val1517Ile). The frequency data for this variant in the population databases is considered unreliable, as metrics indicate poor data quality at this position in the gnomAD database. This missense change has been observed in individual(s) with hypertrophic cardiomyopathy (Invitae). ClinVar contains an entry for this variant (Variation ID: 539335). Advanced modeling of protein sequence and biophysical properties (such as structural, functional, and spatial information, amino acid conservation, physicochemical variation, residue mobility, and thermodynamic stability) has been performed at Invitae for this missense variant, however the output from this modeling did not meet the statistical confidence thresholds required to predict the impact of this variant on FLNC protein function. In summary, the available evidence is currently insufficient to determine the role of this variant in disease. Therefore, it has been classified as a Variant of Uncertain Significance.

Literature cited by the submitters: PubMed 35026164 (cited by Ambry Genetics); PubMed 38473809 (cited by Ambry Genetics).

NM_001458.5(FLNC):c.4549G>A (p.Val1517Ile)

Gene: FLNC (filamin C; plus strand). Cytogenetic location: 7q32.1.
Variant type: single nucleotide variant.
Coding change: c.4549G>A on transcript NM_001458.5 (MANE Select); coding-DNA position 4549, G replaced by A.
Protein change: p.Val1517Ile; replaces valine 1517 with isoleucine.
Molecular consequence: missense variant.
Genome position (GRCh38, 1-based): chr7:128,848,037, G>A. VCF-style: chr7-128848037-G-A. GRCh37 (hg19) VCF-style: chr7-128488091-G-A.
Other names: c.4549G>A, p.Val1517Ile (NM_001127487.2); short protein forms V1517I.
Identifiers: ClinVar variation 539335 (VCV000539335.15), dbSNP rs532654321, ClinGen allele CA4475374.